The following is an entry in ClinVar:

ClinVar aggregate classification (germline): Uncertain significance (1 of 4 stars; one submission).

Conditions:
Arrhythmogenic right ventricular dysplasia 5. Also called: Arrhythmogenic Right Ventricular Dysplasia/Cardiomyopathy 5; ARRHYTHMOGENIC RIGHT VENTRICULAR DYSPLASIA, FAMILIAL, 5. Identifiers: MedGen C1858379, MONDO:0011459, OMIM 604400.

Submission:

Labcorp Genetics (formerly Invitae), Labcorp
Classification: Uncertain significance for Arrhythmogenic right ventricular dysplasia 5. Last evaluated: 2023-02-21. Review status: criteria provided, single submitter. Criteria: Invitae Variant Classification Sherloc (09022015). Collection method: clinical testing. Allele origin: germline.
Comment: A copy number gain of the genomic region encompassing the full coding sequence of the TMEM43 gene has been identified. The boundaries of this event are unknown as they extend beyond the assayed region for this gene and therefore may encompass additional genes. As the precise location of this event is unknown, it may be in tandem or it may be located elsewhere in the genome. This variant has not been reported in the literature in individuals affected with TMEM43-related conditions. In summary, the available evidence is currently insufficient to determine the role of this variant in disease. Therefore, it has been classified as a Variant of Uncertain Significance.

NC_000003.11:g.(?_14166694)_(14183295_?)dup

Gene: TMEM43 (transmembrane protein 43; plus strand). Cytogenetic location: 3p25.1.
Variant type: Duplication.
Identifiers: ClinVar variation 1412387 (VCV001412387.4).